The following is an entry in ClinVar:

NM_001105206.3(LAMA4):c.3179T>A (p.Val1060Glu)

Gene: LAMA4 (laminin subunit alpha 4; minus strand). Cytogenetic location: 6q21.
Variant type: single nucleotide variant.
Coding change: c.3179T>A on transcript NM_001105206.3 (MANE Select); coding-DNA position 3179, T replaced by A.
Protein change: p.Val1060Glu; replaces valine 1060 with glutamic acid.
Molecular consequence: missense variant.
Genome position (GRCh38, 1-based): chr6:112,139,223, A>T on the plus strand (T>A on the coding strand, the complement: LAMA4 is on the minus strand). VCF-style: chr6-112139223-A-T. GRCh37 (hg19) VCF-style: chr6-112460425-A-T.
Other names: c.3158T>A, p.Val1053Glu (NM_001105207.3, NM_002290.5); short protein forms V1053E, V1060E.
Identifiers: ClinVar variation 4744521 (VCV004744521.1).

ClinVar aggregate classification (germline): Uncertain significance (1 of 4 stars; one submission).

Conditions:
Dilated cardiomyopathy 1JJ (CMD1JJ). Identifiers: Orphanet 154, MedGen C3808935, MONDO:0014095, OMIM 615235.

gnomAD v4.1: 1 of 1,614,162 alleles (0.000062%); highest among the groups gnomAD compares: Non-Finnish European, 0.000085%; no homozygotes.

Submission:

Labcorp Genetics (formerly Invitae), Labcorp
Classification: Uncertain significance for Dilated cardiomyopathy 1JJ. Last evaluated: 2026-02-03. Review status: criteria provided, single submitter. Criteria: Invitae Variant Classification Sherloc (09022015). Collection method: clinical testing. Allele origin: germline.
Comment: This sequence change replaces valine, which is neutral and non-polar, with glutamic acid, which is acidic and polar, at codon 1053 of the LAMA4 protein (p.Val1053Glu). This variant is not present in population databases (gnomAD no frequency). This variant has not been reported in the literature in individuals affected with LAMA4-related conditions. Invitae Evidence Modeling of protein sequence and biophysical properties (such as structural, functional, and spatial information, amino acid conservation, physicochemical variation, residue mobility, and thermodynamic stability) indicates that this missense variant is expected to disrupt LAMA4 protein function with a positive predictive value of 80%. In summary, the available evidence is currently insufficient to determine the role of this variant in disease. Therefore, it has been classified as a Variant of Uncertain Significance.